The following is an entry in ClinVar:

NM_000059.4(BRCA2):c.1441A>G (p.Ile481Val)

Gene: BRCA2 (BRCA2 DNA repair associated; plus strand). Cytogenetic location: 13q13.1.
Variant type: single nucleotide variant.
Coding change: c.1441A>G on transcript NM_000059.4 (MANE Select); coding-DNA position 1441, A replaced by G.
Protein change: p.Ile481Val; replaces isoleucine 481 with valine.
Molecular consequence: missense variant.
Genome position (GRCh38, 1-based): chr13:32,332,919, A>G. VCF-style: chr13-32332919-A-G. GRCh37 (hg19) VCF-style: chr13-32907056-A-G.
Other names: short protein forms I481V.
Identifiers: ClinVar variation 219539 (VCV000219539.29), dbSNP rs760559435, ClinGen allele CA349336.

ClinVar aggregate classification (germline): Conflicting classifications of pathogenicity. Review status: criteria provided, conflicting classifications (1 of 4 stars). 13 submissions from 13 submitters: Uncertain significance (6); Benign (1); Likely benign (4). 2 of the submissions do not count toward it. Last evaluated 2026-08-06.

Conditions:
Familial prostate cancer. Also called: Hereditary Prostate Cancer. Identifiers: MedGen C2931456, MONDO:0700275, OMIM 176807.
Hereditary cancer-predisposing syndrome. Also called: Neoplastic Syndromes, Hereditary; Tumor predisposition; Hereditary neoplastic syndrome; Hereditary Cancer Syndrome. Identifiers: Orphanet 140162, MedGen C0027672, MeSH D009386, MONDO:0015356.
Hereditary breast ovarian cancer syndrome. Also called: Hereditary breast and ovarian cancer syndrome; Hereditary breast and ovarian cancer syndrome (HBOC); Breast and ovarian cancer; BRCA1- and BRCA2-Associated Hereditary Breast and Ovarian Cancer; Hereditary breast and/or ovarian cancer syndrome; Hereditary breast and ovarian cancer. Identifiers: Orphanet 145, MedGen C0677776, MeSH D061325, MONDO:0003582. Disease mechanism: loss of function.
Breast-ovarian cancer, familial, susceptibility to, 2 (BROVCA2). Also called: BRCA2 Hereditary Breast and Ovarian Cancer. Identifiers: Orphanet 145, MedGen C2675520, MONDO:0012933, OMIM 612555. Disease mechanism: loss of function.
Malignant tumor of breast. Also called: Cancer breast; Malignant breast neoplasm. Identifiers: MedGen C0006142, MONDO:0007254. Disease mechanism: loss of function.

Allele frequency attached by ClinVar (database versions not stated): gnomAD exomes below 0.00001 and 0.00001; ExAC 0.00001; gnomAD 0.00001; TOPMed 0.00001.
gnomAD v4.1: 11 of 1,608,774 alleles (0.00068%); highest among the groups gnomAD compares: African/African-American, 0.0013%; no homozygotes.

Submissions (13):

OLLIN Analises Genomicas, OLLIN
Classification: Uncertain significance for Familial prostate cancer. Last evaluated: 2026-08-06. Review status: criteria provided, single submitter. Criteria: ACMG Guidelines 2015 PMID 25741868. Collection method: clinical testing. Allele origin: germline. Inheritance: Autosomal recessive inheritance.
Comment: This missense variant, located in exon 10 (of 27), has been reported in ClinVar (accession VCV000219539.27) and in gnomAD with an allele frequency of 0.00068%. However, to our knowledge, it has not been reported in the scientific literature. In silico analysis is inconclusive regarding the impact of this variant. This gene has high tolerance to missense variation. According to the currently available evidence, this variant has been classified as uncertain significance (BP1_S).

Women's Health and Genetics/Laboratory Corporation of America, LabCorp
Classification: Uncertain significance. Last evaluated: 2026-06-02. Review status: criteria provided, single submitter. Criteria: LabCorp Variant Classification Summary - May 2015. Collection method: clinical testing. Allele origin: germline.
Comment: Variant summary: BRCA2 c.1441A>G (p.Ile481Val) results in a conservative amino acid change in the encoded protein sequence. Algorithms developed to predict the effect of missense changes on protein structure and function all suggest that this variant is likely to be tolerated. The variant allele was found at a frequency of 4.1e-06 in 244754 control chromosomes. The available data on variant occurrences in the general population are insufficient to allow any conclusion about variant significance. c.1441A>G has been observed in individual(s) affected with BRCA2-related conditions (example, Fortuno_2024, de Oliveira_2022, Santonocito_2020) without strong evidence for causality. These report(s) do not provide unequivocal conclusions about association of the variant with disease. To our knowledge, no experimental evidence demonstrating an impact on protein function has been reported. The following publications have been ascertained in the context of this evaluation (PMID: 27062684, 39402389, 35534704, 32438681). ClinVar contains an entry for this variant (Variation ID: 219539). Based on the evidence outlined above, the variant was classified as uncertain significance.

Labcorp Genetics (formerly Invitae), Labcorp
Classification: Uncertain significance for Hereditary breast ovarian cancer syndrome. Last evaluated: 2025-08-29. Review status: criteria provided, single submitter. Criteria: Invitae Variant Classification Sherloc (09022015). Collection method: clinical testing. Allele origin: germline.
Comment: This sequence change replaces isoleucine, which is neutral and non-polar, with valine, which is neutral and non-polar, at codon 481 of the BRCA2 protein (p.Ile481Val). This variant is present in population databases (rs760559435, gnomAD 0.003%). This missense change has been observed in individual(s) with a personal or family history of breast and/or ovarian cancer (PMID: 27062684, 30287823, 32438681, 35534704). ClinVar contains an entry for this variant (Variation ID: 219539). Invitae Evidence Modeling of protein sequence and biophysical properties (such as structural, functional, and spatial information, amino acid conservation, physicochemical variation, residue mobility, and thermodynamic stability) indicates that this missense variant is not expected to disrupt BRCA2 protein function with a negative predictive value of 95%. In summary, the available evidence is currently insufficient to determine the role of this variant in disease. Therefore, it has been classified as a Variant of Uncertain Significance.

Department of Clinical Genetics, Copenhagen University Hospital, Rigshospitalet
Classification: Likely benign for Breast-ovarian cancer, familial, susceptibility to, 2. Last evaluated: 2025-01-10. Review status: criteria provided, single submitter. Criteria: ACMG Guidelines, 2015. Collection method: clinical testing. Allele origin: germline.
Comment: The following ACMG criteria was used: BP1_Strong

All of Us Research Program, National Institutes of Health
Classification: Likely benign for Breast-ovarian cancer, familial, susceptibility to, 2. Last evaluated: 2023-11-30. Review status: criteria provided, single submitter. Criteria: ACMG Guidelines, 2015. Collection method: clinical testing. Allele origin: germline. Inheritance: Autosomal dominant inheritance. Observed: 1 variant allele, 1 heterozygote.
Comment: This study involves interpretation of variants in research participants for the purpose of population health screening. Participant phenotype was not available at the time of variant classification. Additional details can be found in publication PMID: 35346344, PMCID: PMC8962531

Ambry Genetics
Classification: Uncertain significance for Hereditary cancer-predisposing syndrome. Last evaluated: 2023-07-14. Review status: criteria provided, single submitter. Criteria: Ambry Variant Classification Scheme 2023. Collection method: clinical testing. Allele origin: germline.
Comment: The p.I481V variant (also known as c.1441A>G), located in coding exon 9 of the BRCA2 gene, results from an A to G substitution at nucleotide position 1441. The isoleucine at codon 481 is replaced by valine, an amino acid with highly similar properties. In one study, this alteration was identified in 2/2351 Italian breast and/or ovarian cancer patients (Santonocito C et al. Cancers (Basel), 2020 May;12:). This variant was also observed in 1/3251 individuals who met eligibility criteria for hereditary breast and ovarian cancer syndrome (Lerner-Ellis J et al. J Cancer Res Clin Oncol, 2021 Mar;147:871-879). This amino acid position is poorly conserved in available vertebrate species. In addition, this alteration is predicted to be tolerated by in silico analysis. Since supporting evidence is limited at this time, the clinical significance of this alteration remains unclear. Since supporting evidence is limited at this time, the clinical significance of this alteration remains unclear.

University of Washington Department of Laboratory Medicine, University of Washington
Classification: Likely benign for Hereditary cancer-predisposing syndrome. Last evaluated: 2023-03-23. Review status: criteria provided, single submitter. Criteria: Dines et al. (Genet Med. 2020). Collection method: curation. Allele origin: germline.
Comment: Missense variant in a coldspot region where missense variants are very unlikely to be pathogenic (PMID:31911673).

BRCA2 exon 10 coldspot. Reclassification based on statistical prior probability.

Mendelics
Classification: Benign. Last evaluated: 2022-05-04. Review status: criteria provided, single submitter. Criteria: Mendelics Assertion Criteria 2019. Collection method: clinical testing. Allele origin: germline.

Quest Diagnostics Nichols Institute San Juan Capistrano
Classification: Uncertain significance. Last evaluated: 2020-03-05. Review status: criteria provided, single submitter. Criteria: Quest Diagnostics criteria. Collection method: clinical testing. Allele origin: unknown.

Institute of Human Genetics, University of Leipzig Medical Center
Classification: Uncertain significance for Breast-ovarian cancer, familial, susceptibility to, 2. Last evaluated: 2018-05-11. Review status: criteria provided, single submitter. Criteria: ACMG Guidelines, 2015. Collection method: clinical testing. Allele origin: germline. Affected: yes. Observed: 1 variant allele.

Color Diagnostics, LLC DBA Color Health
Classification: Likely benign for Hereditary cancer-predisposing syndrome. Last evaluated: 2017-05-23. Review status: criteria provided, single submitter. Criteria: ACMG Guidelines, 2015. Collection method: clinical testing. Allele origin: germline.

Counsyl
Classification: Uncertain significance for Breast-ovarian cancer, familial, susceptibility to, 2. Last evaluated: 2018-02-20. Review status: no assertion criteria provided. Collection method: clinical testing. Allele origin: unknown. Not counted in ClinVar's aggregate classification.

Department of Pathology and Laboratory Medicine, Sinai Health System
Classification: Uncertain significance for Malignant tumor of breast. Review status: no assertion criteria provided. Collection method: clinical testing. Allele origin: unknown. Affected: yes. Observed: 1 variant allele. Study: The Canadian Open Genetics Repository (COGR). Not counted in ClinVar's aggregate classification.
Comment: The BRCA2 p.Ile481Val variant was not identified in the literature nor was it identified in the GeneInsight-COGR, Cosmic, MutDB, BIC Database, ARUP Laboratories, Zhejiang Colon Cancer Database, databases. The variant was identified in dbSNP (ID: rs760559435) as â€šÃ„ÃºWith Uncertain significanceâ€šÃ„Ã¹, in ClinVar (1x, as uncertain significance, by Invitae), Clinvitae (1x, as uncertain significance), LOVD 3.0 (2x), UMD-LSDB (1x record, as 3-UV), databases. The variant was also identified in control databases in 1 of 239798 chromosomes at a frequency of 0.000004 increasing the likelihood that this may be a low frequency benign variant in certain populations of origin (Genome Aggregation Consortium Feb 27, 2017). The p.Ile481 residue is not conserved in mammals and computational analyses (PolyPhen-2, SIFT, AlignGVGD, BLOSUM, MutationTaster) do not suggest a high likelihood of impact to the protein; however, this information is not predictive enough to rule out pathogenicity. The variant occurs outside of the splicing consensus sequence and 1 of 5 in silico or computational prediction software programs (SpliceSiteFinder, MaxEntScan, NNSPLICE, GeneSplicer, HumanSpliceFinder) predict a greater than 10% difference in splicing; this is not very predictive of pathogenicity. The variant is located with the Breast cancer type 2 susceptibility protein functional domain(s) increasing the likelihood that it may have clinical significance. In summary, based on the above information the clinical significance of this variant cannot be determined with certainty at this time. This variant is classified as a variant of uncertain significance.

Literature cited by the submitters: PubMed 27062684 (cited by 3 submitters); PubMed 32438681 (cited by 3 submitters); PubMed 35534704 (cited by Women's Health and Genetics/Laboratory Corporation of America, LabCorp and Labcorp Genetics (formerly Invitae), Labcorp); PubMed 39402389 (cited by Women's Health and Genetics/Laboratory Corporation of America, LabCorp); PubMed 30287823 (cited by Labcorp Genetics (formerly Invitae), Labcorp); PubMed 32885271 (cited by Ambry Genetics).